The following is an entry in ClinVar:

ClinVar aggregate classification (germline): Pathogenic (1 of 4 stars; one submission).

Conditions:
Tyrosinemia type I (TYRSN1). Also called: Tyrosinemia type 1; Fumarylacetoacetase deficiency; FAH DEFICIENCY; HEPATORENAL TYROSINEMIA; Deficiency of fumarylacetoacetase. Identifiers: Orphanet 882, MedGen C0268490, MONDO:0010161, OMIM 276700. Disease mechanism: loss of function.

Submission:

Labcorp Genetics (formerly Invitae), Labcorp
Classification: Pathogenic for Tyrosinemia type I. Last evaluated: 2023-06-15. Review status: criteria provided, single submitter. Criteria: Invitae Variant Classification Sherloc (09022015). Collection method: clinical testing. Allele origin: germline.
Comment: This sequence change creates a premature translational stop signal (p.Tyr128Serfs*22) in the FAH gene. It is expected to result in an absent or disrupted protein product. Loss-of-function variants in FAH are known to be pathogenic (PMID: 9101289, 9633815). This variant is not present in population databases (gnomAD no frequency). This variant has not been reported in the literature in individuals affected with FAH-related conditions. Algorithms developed to predict the effect of sequence changes on RNA splicing suggest that this variant may disrupt the consensus splice site. For these reasons, this variant has been classified as Pathogenic.

Literature cited by the submitters: PubMed 9101289; PubMed 9633815.

NM_000137.4(FAH):c.379_380dup (p.Tyr128fs)

Gene: FAH (fumarylacetoacetate hydrolase; plus strand). Cytogenetic location: 15q25.1.
Variant type: Duplication.
Coding change: c.379_380dup on transcript NM_000137.4 (MANE Select); coding-DNA positions 379 to 380, 2 bases duplicated (TT; older notation c.379_380dupTT).
Protein change: p.Tyr128fs; shifts the reading frame from tyrosine 128.
Molecular consequence: frameshift variant.
Genome position (GRCh38, 1-based): chr15:80,162,260-80,162,261, TT duplicated. VCF-style (leftmost placement, unchanged base first): chr15-80162259-C-CTT. GRCh37 (hg19) VCF-style: chr15-80454601-C-CTT.
Other names: c.379_380dup, p.Tyr128fs (NM_001374377.1, NM_001374380.1); short protein forms Y128fs.
Identifiers: ClinVar variation 2715839 (VCV002715839.3), dbSNP rs2505844514, ClinGen allele CA2697549252.